The following is an entry in ClinVar:

ClinVar aggregate classification (germline): Uncertain significance. Review status: criteria provided, multiple submitters, no conflicts (2 of 4 stars). 2 submissions from 2 submitters: Uncertain significance (2). Last evaluated 2025-03-26.

Conditions:
Lethal multiple pterygium syndrome (LMPS). Identifiers: Orphanet 33108, MedGen C1854678, MONDO:0009668, OMIM 253290.

Allele frequency attached by ClinVar (database versions not stated): 1000 Genomes Project 30x 0.00016; 1000 Genomes Project 0.00020.
gnomAD v4.1: 59 of 1,613,284 alleles (0.0037%); highest among the groups gnomAD compares: Non-Finnish European, 0.0047%; no homozygotes.

Submissions (2):

Women's Health and Genetics/Laboratory Corporation of America, LabCorp
Classification: Uncertain significance. Last evaluated: 2025-03-26. Review status: criteria provided, single submitter. Criteria: LabCorp Variant Classification Summary - May 2015. Collection method: clinical testing. Allele origin: germline.
Comment: Variant summary: CHRND c.236T>C (p.Ile79Thr) results in a non-conservative amino acid change in the encoded protein sequence. Five of five in-silico tools predict a damaging effect of the variant on protein function. The variant allele was found at a frequency of 1.6e-05 in 251286 control chromosomes (gnomAD). The available data on variant occurrences in the general population are insufficient to allow any conclusion about variant significance. To our knowledge, no occurrence of c.236T>C in individuals affected with CHRND-Related Disorders and no experimental evidence demonstrating its impact on protein function have been reported. ClinVar contains an entry for this variant (Variation ID: 1981765). Based on the evidence outlined above, the variant was classified as uncertain significance.

Labcorp Genetics (formerly Invitae), Labcorp
Classification: Uncertain significance for Lethal multiple pterygium syndrome. Last evaluated: 2022-02-17. Review status: criteria provided, single submitter. Criteria: Invitae Variant Classification Sherloc (09022015). Collection method: clinical testing. Allele origin: germline.
Comment: Algorithms developed to predict the effect of missense changes on protein structure and function are either unavailable or do not agree on the potential impact of this missense change (SIFT: "Deleterious"; PolyPhen-2: "Possibly Damaging"; Align-GVGD: "Class C0"). Algorithms developed to predict the effect of sequence changes on RNA splicing suggest that this variant may create or strengthen a splice site. In summary, the available evidence is currently insufficient to determine the role of this variant in disease. Therefore, it has been classified as a Variant of Uncertain Significance. This variant has not been reported in the literature in individuals affected with CHRND-related conditions. This sequence change replaces isoleucine, which is neutral and non-polar, with threonine, which is neutral and polar, at codon 79 of the CHRND protein (p.Ile79Thr). This variant is present in population databases (rs121909509, gnomAD 0.006%).

NM_000751.3(CHRND):c.236T>C (p.Ile79Thr)

Gene: CHRND (cholinergic receptor nicotinic delta subunit; plus strand). Cytogenetic location: 2q37.1.
Variant type: single nucleotide variant.
Coding change: c.236T>C on transcript NM_000751.3 (MANE Select); coding-DNA position 236, T replaced by C.
Protein change: p.Ile79Thr; replaces isoleucine 79 with threonine.
Molecular consequence: missense variant. On other transcripts: 5 prime UTR variant (2), intron variant (1).
Genome position (GRCh38, 1-based): chr2:232,527,438, T>C. VCF-style: chr2-232527438-T-C. GRCh37 (hg19) VCF-style: chr2-233392148-T-C.
Other names: c.-36T>C (NM_001311195.2, NM_001311196.2); c.198+764T>C (NM_001256657.2); short protein forms I79T.
Identifiers: ClinVar variation 1981765 (VCV001981765.5), dbSNP rs121909509, ClinGen allele CA2167951.